The following is an entry in ClinVar:

NM_032608.7(MYO18B):c.6934G>A (p.Glu2312Lys)

Gene: MYO18B (myosin XVIIIB; plus strand). Cytogenetic location: 22q12.1.
Variant type: single nucleotide variant.
Coding change: c.6934G>A on transcript NM_032608.7 (MANE Select); coding-DNA position 6934, G replaced by A.
Protein change: p.Glu2312Lys; replaces glutamic acid 2312 with lysine.
Molecular consequence: missense variant.
Genome position (GRCh38, 1-based): chr22:26,026,908, G>A. VCF-style: chr22-26026908-G-A. GRCh37 (hg19) VCF-style: chr22-26422874-G-A.
Other names: c.6937G>A, p.Glu2313Lys (NM_001318245.2); short protein forms E2313K, E2312K.
Identifiers: ClinVar variation 1427943 (VCV001427943.6), dbSNP rs752633214, ClinGen allele CA411011395.

ClinVar aggregate classification (germline): Uncertain significance (1 of 4 stars; one submission).

Submission:

Labcorp Genetics (formerly Invitae), Labcorp
Classification: Uncertain significance. Last evaluated: 2021-11-28. Review status: criteria provided, single submitter. Criteria: Invitae Variant Classification Sherloc (09022015). Collection method: clinical testing. Allele origin: germline.
Comment: In summary, the available evidence is currently insufficient to determine the role of this variant in disease. Therefore, it has been classified as a Variant of Uncertain Significance. Algorithms developed to predict the effect of missense changes on protein structure and function are either unavailable or do not agree on the potential impact of this missense change (SIFT: "Not Available"; PolyPhen-2: "Benign"; Align-GVGD: "Not Available"). This variant has not been reported in the literature in individuals affected with MYO18B-related conditions. This variant is not present in population databases (gnomAD no frequency). This sequence change replaces glutamic acid, which is acidic and polar, with lysine, which is basic and polar, at codon 2312 of the MYO18B protein (p.Glu2312Lys).